The following is an entry in ClinVar:

ClinVar aggregate classification (germline): Uncertain significance (1 of 4 stars; one submission).

Submission:

Dubai Health Genomic Medicine Center, Dubai Health
Classification: Uncertain significance. Last evaluated: 2020-03-30. Review status: criteria provided, single submitter. Criteria: ACMG Guidelines, 2015. Collection method: clinical testing. Allele origin: germline. Affected: yes.
Comment: The c.23_35+12dup variant in RAC1 has not been previously reported in affected individuals and was absent from large population studies such as the Genome Aggregation Database (gnomAD) and the Greater Middle East (GME) Variome Database. This variant results in the introduction of 25 extra nucleotides at the splice junction of exon 1 which is then predict to impair splicing and lead to abnormal protein product. However this information is not predictive enough to confirm pathogenicity. In summary additional information is needed to fully assess the clinical significance of this variant. RAC1 is reported to play a role in coordinating immune defenses and chronic inflammatory bowel diseases are associated with dysregulation of immune defenses. Increased expression of RAC1 was associated with susceptibility to colitis by an increased inflammatory response (PMID: 21684284 PMID: 24931457). First-line immunosuppressive treatment for IBD includes azathioprine and its immunosuppressive effect is primarily ascribed to Rac1 suppression (PMID: 27604084).

NM_006908.5(RAC1):c.23_35+12dup

Genes: RAC1 (Rac family small GTPase 1; plus strand), LOC129997928 (ATAC-STARR-seq lymphoblastoid silent region 17942; plus strand). Cytogenetic location: 7p22.1.
Variant type: Duplication.
Coding change: c.23_35+12dup on transcript NM_006908.5 (MANE Select); coding-DNA position 23 through 12 bases into the intron after coding-DNA position 35, 25 bases duplicated (TGGTGGGAGACGGGTGAGTGCGCGG).
Molecular consequence: splice donor variant.
Genome position (GRCh38, 1-based): chr7:6,374,758-6,374,782, TGGTGGGAGACGGGTGAGTGCGCGG duplicated; duplicating any 25 consecutive bases within chr7:6,374,756-6,374,782 gives the same sequence; the c. name uses the placement nearest the transcript's 3' end. VCF-style (leftmost placement, unchanged base first): chr7-6374755-T-TGGTGGTGGGAGACGGGTGAGTGCGC. GRCh37 (hg19) VCF-style: chr7-6414386-T-TGGTGGTGGGAGACGGGTGAGTGCGC.
Other names: c.23_35+12dup (NM_018890.4).
Identifiers: ClinVar variation 1301752 (VCV001301752.2), dbSNP rs2115177185, ClinGen allele CA2573052903.
Genomic context (GRCh38, chr7:6,374,755, plus strand): 5'-AGCGCCCTGCCGCCGCCGCCGCGGCCCAGCGAGCGGCCCTGATGCAGGCCATCAAGTGTG[T>TGGTGGTGGGAGACGGGTGAGTGCGC]GGTGGTGGGAGACGGGTGAGTGCGCGGCCGGGGCCGGGCTGGAGGCCGCGGGATCGGGCG-3'